The following is an entry in ClinVar:

ClinVar aggregate classification (germline): Uncertain significance. Review status: criteria provided, multiple submitters, no conflicts (2 of 4 stars). 6 submissions from 6 submitters: Uncertain significance (4). 2 of the submissions do not count toward it. Last evaluated 2026-09-15.

Conditions:
BBS12-related disorder. Also called: BBS12-related condition.
Bardet-Biedl syndrome 12 (BBS12). Identifiers: Orphanet 110, MedGen C1859570, MONDO:0014440, OMIM 615989.
Bardet-Biedl syndrome (BBS). Identifiers: Orphanet 110, MedGen C0752166, MONDO:0015229.

Allele frequency attached by ClinVar (database versions not stated): gnomAD exomes 0.00002 and 0.00005; ExAC 0.00007; gnomAD 0.00013 and 0.00014; ESP Exome Variant Server 0.00015; 1000 Genomes Project 30x 0.00016; 1000 Genomes Project 0.00020; TOPMed 0.00020.
gnomAD v4.1: 51 of 1,614,210 alleles (0.0032%); highest among the groups gnomAD compares: African/African-American, 0.06%; no homozygotes.

Submissions (6):

PreventionGenetics, part of Exact Sciences
Classification: Uncertain significance for BBS12-related condition. Last evaluated: 2026-09-15. Review status: criteria provided, single submitter. Criteria: ACMG Guidelines, 2015. Collection method: clinical testing. Allele origin: germline.
Comment: The BBS12 c.787T>C variant is predicted to result in the amino acid substitution p.Tyr263His. This variant was previously reported as an additional variant in two related individuals who presented with Bardet-Biedl syndrome; however, both individuals already carried plausible causative variants in BBS10 (case number 65 and 66, Billingsley et al. 2010. PubMed ID: 20472660). This variant is reported in 0.056% of alleles in individuals of African descent in gnomAD. Although we suspect that this variant may be benign, at this time, the clinical significance of this variant is uncertain due to the absence of conclusive functional and genetic evidence.

Labcorp Genetics (formerly Invitae), Labcorp
Classification: Uncertain significance for Bardet-Biedl syndrome. Last evaluated: 2025-01-13. Review status: criteria provided, single submitter. Criteria: Invitae Variant Classification Sherloc (09022015). Collection method: clinical testing. Allele origin: germline.
Comment: This sequence change replaces tyrosine, which is neutral and polar, with histidine, which is basic and polar, at codon 263 of the BBS12 protein (p.Tyr263His). This variant is present in population databases (rs150040166, gnomAD 0.05%). This missense change has been observed in individual(s) with clinical features of Bardet-Biedl syndrome (PMID: 20472660). ClinVar contains an entry for this variant (Variation ID: 550824). Invitae Evidence Modeling of protein sequence and biophysical properties (such as structural, functional, and spatial information, amino acid conservation, physicochemical variation, residue mobility, and thermodynamic stability) indicates that this missense variant is not expected to disrupt BBS12 protein function with a negative predictive value of 80%. In summary, the available evidence is currently insufficient to determine the role of this variant in disease. Therefore, it has been classified as a Variant of Uncertain Significance.

Fulgent Genetics
Classification: Uncertain significance for Bardet-Biedl syndrome 12. Last evaluated: 2024-05-06. Review status: criteria provided, single submitter. Criteria: ACMG Guidelines, 2015. Collection method: clinical testing. Allele origin: germline.

Genetic Services Laboratory, University of Chicago
Classification: Uncertain significance. Last evaluated: 2024-03-13. Review status: criteria provided, single submitter. Criteria: ACMG Guidelines, 2015. Collection method: clinical testing. Allele origin: germline. Affected: no.
Comment: DNA sequence analysis of the BBS12 gene demonstrated a sequence change, c.787T>C, in exon 2 that results in an amino acid change, p.Tyr263His. This sequence change has been previously described in two symptomatic siblings with Bardet-Biedl syndrome who also had two variants in the BBS10 in the compound heterozygous state (PMID: 20472660). This sequence change has been described in the gnomAD database with a frequency of 0.056% in the African subpopulation (dbSNP rs150040166). The p.Tyr263His change affects a poorly conserved amino acid residue located in a domain of the BBS12 protein that is known to be functional. The p.Tyr263His substitution appears to be benign using several in-silico pathogenicity prediction tools (SIFT, PolyPhen2, Align GVGD, REVEL). Due to insufficient evidences and the lack of functional studies, the clinical significance of the p.Tyr263His change remains unknown at this time.

Natera, Inc.
Classification: Uncertain significance for Bardet-Biedl syndrome type 12. Last evaluated: 2020-02-06. Review status: no assertion criteria provided. Collection method: clinical testing. Allele origin: germline. Not counted in ClinVar's aggregate classification.

Counsyl
Classification: Uncertain significance for Bardet-Biedl syndrome 12. Last evaluated: 2017-02-22. Review status: no assertion criteria provided. Collection method: clinical testing. Allele origin: unknown. Not counted in ClinVar's aggregate classification.

Literature cited by the submitters: PubMed 20472660 (cited by Labcorp Genetics (formerly Invitae), Labcorp and Counsyl).

NM_152618.3(BBS12):c.787T>C (p.Tyr263His)

Gene: BBS12 (Bardet-Biedl syndrome 12; plus strand). Cytogenetic location: 4q27.
Variant type: single nucleotide variant.
Coding change: c.787T>C on transcript NM_152618.3 (MANE Select); coding-DNA position 787, T replaced by C.
Protein change: p.Tyr263His; replaces tyrosine 263 with histidine.
Molecular consequence: missense variant.
Genome position (GRCh38, 1-based): chr4:122,742,679, T>C. VCF-style: chr4-122742679-T-C. GRCh37 (hg19) VCF-style: chr4-123663834-T-C.
Other names: c.787T>C, p.Tyr263His (NM_001178007.2); short protein forms Y263H.
Identifiers: ClinVar variation 550824 (VCV000550824.17), dbSNP rs150040166, ClinGen allele CA3069328.